The following is an entry in ClinVar:

ClinVar aggregate classification (germline): Pathogenic (1 of 4 stars; one submission).

Conditions:
Hereditary cancer-predisposing syndrome. Also called: Hereditary Cancer Syndrome; Neoplastic Syndromes, Hereditary; Hereditary neoplastic syndrome; Tumor predisposition. Identifiers: Orphanet 140162, MedGen C0027672, MeSH D009386, MONDO:0015356.

Submission:

Ambry Genetics
Classification: Pathogenic for Hereditary cancer-predisposing syndrome. Last evaluated: 2014-12-12. Review status: criteria provided, single submitter. Criteria: Ambry Variant Classification Scheme 2023. Collection method: clinical testing. Allele origin: germline.
Comment: The c.3459delT pathogenic mutation, located in coding exon 21 of the PTCH1 gene, results from a deletion of one nucleotide at nucleotide position 3459, causing a translational frameshift with a predicted alternate stop codon. Since frameshifts are typically deleterious in nature, this alteration is interpreted as a disease-causing mutation (ACMG Recommendations for Standards for Interpretation and Reporting of Sequence Variations. Revision 2007. Genet Med. 2008;10:294).

NM_000264.5(PTCH1):c.3459del (p.Phe1153fs)

Gene: PTCH1 (patched 1; minus strand). Cytogenetic location: 9q22.32.
Variant type: Deletion.
Coding change: c.3459del on transcript NM_000264.5 (MANE Select); coding-DNA position 3459, one base deleted (T; older notation c.3459delT).
Protein change: p.Phe1153fs; shifts the reading frame from phenylalanine 1153.
Molecular consequence: frameshift variant. On other transcripts: non-coding transcript variant (1).
Genome position (GRCh38, 1-based): chr9:95,449,931, A deleted on the plus strand (T on the coding strand, the reverse complement: PTCH1 is on the minus strand); the first of 3 consecutive A bases (chr9:95,449,931-95,449,933); deleting any one gives the same sequence. VCF-style (leftmost placement, unchanged base first): chr9-95449930-CA-C. GRCh37 (hg19) VCF-style: chr9-98212212-CA-C.
Other names: c.3261del, p.Phe1087fs (NM_001083602.3); c.3456del, p.Phe1152fs (NM_001083603.3); c.3006del, p.Phe1002fs (NM_001083604.3, NM_001083605.3, NM_001083606.3 and 1 more transcripts); c.3303del, p.Phe1101fs (NM_001354918.2); short protein forms F1087fs, F1101fs, F1152fs, F1153fs, F1002fs.
Identifiers: ClinVar variation 428826 (VCV000428826.5), dbSNP rs1131690976, ClinGen allele CA645369407.